The following is an entry in ClinVar:

ClinVar aggregate classification (germline): Uncertain significance. Review status: criteria provided, multiple submitters, no conflicts (2 of 4 stars). 2 submissions from 2 submitters: Uncertain significance (2). Last evaluated 2024-11-03.

Conditions:
Familial cancer of breast. Also called: Hereditary breast cancer; hereditary breast carcinoma; BREAST CANCER, FAMILIAL. Identifiers: Orphanet 227535, MedGen C0346153, MONDO:0016419, OMIM 114480. Disease mechanism: loss of function.

Submissions (2):

Labcorp Genetics (formerly Invitae), Labcorp
Classification: Uncertain significance for Familial cancer of breast. Last evaluated: 2024-11-03. Review status: criteria provided, single submitter. Criteria: Invitae Variant Classification Sherloc (09022015). Collection method: clinical testing. Allele origin: germline.
Comment: This sequence change replaces proline, which is neutral and non-polar, with threonine, which is neutral and polar, at codon 252 of the BARD1 protein (p.Pro252Thr). This variant is not present in population databases (gnomAD no frequency). This variant has not been reported in the literature in individuals affected with BARD1-related conditions. ClinVar contains an entry for this variant (Variation ID: 495879). An algorithm developed to predict the effect of missense changes on protein structure and function (PolyPhen-2) suggests that this variant is likely to be disruptive. In summary, the available evidence is currently insufficient to determine the role of this variant in disease. Therefore, it has been classified as a Variant of Uncertain Significance.

Women's Health and Genetics/Laboratory Corporation of America, LabCorp
Classification: Uncertain significance. Last evaluated: 2016-02-23. Review status: criteria provided, single submitter. Criteria: LabCorp Variant Classification Summary - May 2015. Collection method: clinical testing. Allele origin: germline.

NM_000465.4(BARD1):c.754C>A (p.Pro252Thr)

Gene: BARD1 (BRCA1 associated RING domain 1; minus strand). Cytogenetic location: 2q35.
Variant type: single nucleotide variant.
Coding change: c.754C>A on transcript NM_000465.4 (MANE Select); coding-DNA position 754, C replaced by A.
Protein change: p.Pro252Thr; replaces proline 252 with threonine.
Molecular consequence: missense variant. On other transcripts: non-coding transcript variant (2), intron variant (3).
Genome position (GRCh38, 1-based): chr2:214,781,120, G>T on the plus strand (C>A on the coding strand, the complement: BARD1 is on the minus strand). VCF-style: chr2-214781120-G-T. GRCh37 (hg19) VCF-style: chr2-215645844-G-T.
Other names: c.158+28292C>A (NM_001282548.2); c.697C>A, p.Pro233Thr (NM_001282543.2); c.215+15941C>A (NM_001282545.2); c.364+11177C>A (NM_001282549.2); short protein forms P252T, P233T.
Identifiers: ClinVar variation 495879 (VCV000495879.3), dbSNP rs758368819, ClinGen allele CA350456049.
Genomic context (GRCh38, chr2:214,781,120, plus strand): 5'-AACATTCAGATTCTGTCAAGGAGCCACTTGCTAGTAAGTCTATTTCACCATTTATCTGAG[G>T]ACTGGAGATAACAGATGGTTGGCTACAGAAGGATACCAGCTTTTGCTTAGATTCCTCTTT-3'
Protein context (NP_000456.2, residues 242-262): FCSQPSVISS[Pro252Thr]QINGEIDLLA